The following is an entry in ClinVar:

ClinVar aggregate classification (germline): Uncertain significance (1 of 4 stars; one submission).

Allele frequency attached by ClinVar (database versions not stated): gnomAD 0.00001; TOPMed 0.00003.
gnomAD v4.1: 7 of 1,613,894 alleles (0.00043%); highest among the groups gnomAD compares: East Asian, 0.016%; no homozygotes.

Submission:

Labcorp Genetics (formerly Invitae), Labcorp
Classification: Uncertain significance. Last evaluated: 2021-12-20. Review status: criteria provided, single submitter. Criteria: Invitae Variant Classification Sherloc (09022015). Collection method: clinical testing. Allele origin: germline.
Comment: This sequence change replaces proline, which is neutral and non-polar, with leucine, which is neutral and non-polar, at codon 193 of the FAT4 protein (p.Pro193Leu). This variant is present in population databases (no rsID available, gnomAD 0.06%). This variant has not been reported in the literature in individuals affected with FAT4-related conditions. Advanced modeling of protein sequence and biophysical properties (such as structural, functional, and spatial information, amino acid conservation, physicochemical variation, residue mobility, and thermodynamic stability) performed at Invitae indicates that this missense variant is not expected to disrupt FAT4 protein function. In summary, the available evidence is currently insufficient to determine the role of this variant in disease. Therefore, it has been classified as a Variant of Uncertain Significance.

NM_001291303.3(FAT4):c.578C>T (p.Pro193Leu)

Gene: FAT4 (FAT atypical cadherin 4; plus strand). Cytogenetic location: 4q28.1.
Variant type: single nucleotide variant.
Coding change: c.578C>T on transcript NM_001291303.3 (MANE Select); coding-DNA position 578, C replaced by T.
Protein change: p.Pro193Leu; replaces proline 193 with leucine.
Molecular consequence: missense variant.
Genome position (GRCh38, 1-based): chr4:125,316,989, C>T. VCF-style: chr4-125316989-C-T. GRCh37 (hg19) VCF-style: chr4-126238144-C-T.
Other names: c.578C>T, p.Pro193Leu (NM_001291285.3, NM_024582.6); short protein forms P193L.
Identifiers: ClinVar variation 1503279 (VCV001503279.3), dbSNP rs1352317490, ClinGen allele CA358116093.